The following is an entry in ClinVar:

ClinVar aggregate classification (germline): Uncertain significance (1 of 4 stars; one submission).

Conditions:
PCNT-related disorder. Also called: PCNT-related condition.

gnomAD v4.1: 19 of 1,613,778 alleles (0.0012%); highest among the groups gnomAD compares: Middle Eastern, 0.049%; no homozygotes.

Submission:

PreventionGenetics, part of Exact Sciences
Classification: Uncertain significance for PCNT-related condition. Last evaluated: 2024-10-14. Review status: criteria provided, single submitter. Criteria: ACMG Guidelines, 2015. Collection method: clinical testing. Allele origin: germline.
Comment: The PCNT c.1478C>T variant is predicted to result in the amino acid substitution p.Ala493Val. To our knowledge, this variant has not been reported in the literature. This variant is reported in 0.0040% of alleles in individuals of European (Finnish) descent in gnomAD. At this time, the clinical significance of this variant is uncertain due to the absence of conclusive functional and genetic evidence.

NM_006031.6(PCNT):c.1478C>T (p.Ala493Val)

Gene: PCNT (pericentrin; plus strand). Cytogenetic location: 21q22.3.
Variant type: single nucleotide variant.
Coding change: c.1478C>T on transcript NM_006031.6 (MANE Select); coding-DNA position 1478, C replaced by T.
Protein change: p.Ala493Val; replaces alanine 493 with valine.
Molecular consequence: missense variant.
Genome position (GRCh38, 1-based): chr21:46,353,125, C>T. VCF-style: chr21-46353125-C-T. GRCh37 (hg19) VCF-style: chr21-47773039-C-T.
Other names: c.1124C>T, p.Ala375Val (NM_001315529.2); short protein forms A493V, A375V.
Identifiers: ClinVar variation 4980250 (VCV004980250.1).